The following is an entry in ClinVar:

ClinVar aggregate classification (germline): Uncertain significance (1 of 4 stars; one submission).

Submission:

Women's Health and Genetics/Laboratory Corporation of America, LabCorp
Classification: Uncertain significance. Last evaluated: 2025-06-16. Review status: criteria provided, single submitter. Criteria: LabCorp Variant Classification Summary - May 2015. Collection method: clinical testing. Allele origin: germline.
Comment: Variant summary: EIF2AK3 c.3239delT (p.Leu1080TrpfsX16) results in a premature termination codon, predicted to cause a truncation of the encoded protein. The variant allele was found at a frequency of 4e-06 in 251394 control chromosomes. The available data on variant occurrences in the general population are insufficient to allow any conclusion about variant significance. To our knowledge, no occurrence of c.3239delT in individuals affected with Wolcott-Rallison dysplasia and no experimental evidence demonstrating its impact on protein function have been reported. No submitters have cited clinical-significance assessments for this variant to ClinVar. Based on the evidence outlined above, the variant was classified as uncertain significance.

NM_004836.7(EIF2AK3):c.3239del (p.Leu1080fs)

Genes: EIF2AK3 (eukaryotic translation initiation factor 2 alpha kinase 3; minus strand), EIF2AK3-AS1 (EIF2AK3 antisense RNA 1; plus strand). Cytogenetic location: 2p11.2.
Variant type: Deletion.
Coding change: c.3239del on transcript NM_004836.7 (MANE Select); coding-DNA position 3239, one base deleted (T; older notation c.3239delT).
Protein change: p.Leu1080fs; shifts the reading frame from leucine 1080.
Molecular consequence: frameshift variant.
Genome position (GRCh38, 1-based): chr2:88,557,848, A deleted on the plus strand (T on the coding strand, the reverse complement: EIF2AK3 is on the minus strand); the first of 2 consecutive A bases (chr2:88,557,848-88,557,849); deleting either gives the same sequence. VCF-style (leftmost placement, unchanged base first): chr2-88557847-CA-C. GRCh37 (hg19) VCF-style: chr2-88857365-CA-C.
Other names: c.2786del, p.Leu929fs (NM_001313915.2); c.3239delT (NM_004836.7); short protein forms L1080fs, L929fs.
Identifiers: ClinVar variation 3907112 (VCV003907112.1).